The following is an entry in ClinVar:

ClinVar aggregate classification (germline): Benign. Review status: criteria provided, multiple submitters, no conflicts (2 of 4 stars). 2 submissions from 2 submitters: Benign (2). Last evaluated 2026-07-01.

Allele frequency attached by ClinVar (database versions not stated): 1000 Genomes Project 30x 0.00312; 1000 Genomes Project 0.00359; TOPMed 0.00824; ESP Exome Variant Server 0.00900; gnomAD 0.00974; gnomAD exomes 0.01237; ExAC 0.01244.
gnomAD v4.1: 19,443 of 1,612,976 alleles (1.2%); highest among the groups gnomAD compares: Non-Finnish European, 1.4%; 188 homozygotes.

Submissions (2):

CeGaT Center for Human Genetics Tuebingen
Classification: Benign. Last evaluated: 2026-07-01. Review status: criteria provided, single submitter. Criteria: CeGaT Center For Human Genetics Tuebingen Variant Classification Criteria Version 2. Collection method: clinical testing. Allele origin: germline. Affected: yes. Observed: 7 variant alleles.
Comment: DNASE1: BS1, BS2

Mayo Clinic Laboratories, Mayo Clinic
Classification: Benign. Last evaluated: 2024-11-29. Review status: criteria provided, single submitter. Criteria: ACMG Guidelines, 2015. Collection method: clinical testing. Allele origin: germline. Observed: 12 variant alleles.
Comment: BS1, BS2

Literature cited by the submitters: PubMed 24819173 (cited by Mayo Clinic Laboratories, Mayo Clinic); PubMed 31541133 (cited by Mayo Clinic Laboratories, Mayo Clinic).

NM_005223.4(DNASE1):c.350A>C (p.Tyr117Ser)

Gene: DNASE1 (deoxyribonuclease 1; plus strand). Cytogenetic location: 16p13.3.
Variant type: single nucleotide variant.
Coding change: c.350A>C on transcript NM_005223.4 (MANE Select); coding-DNA position 350, A replaced by C.
Protein change: p.Tyr117Ser; replaces tyrosine 117 with serine.
Molecular consequence: missense variant. On other transcripts: non-coding transcript variant (2).
Genome position (GRCh38, 1-based): chr16:3,656,667, A>C. VCF-style: chr16-3656667-A-C. GRCh37 (hg19) VCF-style: chr16-3706668-A-C.
Other names: p.Tyr117Ser; c.350A>C, p.Tyr117Ser (NM_001351825.2, NM_001387135.1, NM_001387139.1 and 1 more transcripts); c.143A>C, p.Tyr48Ser (NM_001387141.1); c.350A>C (NM_005223.3); short protein forms Y117S, Y48S.
Identifiers: ClinVar variation 2672612 (VCV002672612.24), dbSNP rs34923865, ClinGen allele CA7867222.
Genomic context (GRCh38, chr16:3,656,667, plus strand): 5'-GGTCACCTCCTCCTGCCCGGCCTTCCCGCAGGCCTGACCAGGTGTCTGCGGTGGACAGCT[A>C]CTACTACGATGATGGCTGCGAGCCCTGCGGGAACGACACCTTCAACCGAGAGCCAGCCAT-3'
Protein context (NP_005214.2, residues 107-127): RPDQVSAVDS[Tyr117Ser]YYDDGCEPCG